The following is an entry in ClinVar:

NM_005245.4(FAT1):c.8365A>T (p.Met2789Leu)

Genes: FAT1 (FAT atypical cadherin 1; minus strand), LOC126807255 (BRD4-independent group 4 enhancer GRCh37_chr4:187538202-187539401; plus strand). Cytogenetic location: 4q35.2.
Variant type: single nucleotide variant.
Coding change: c.8365A>T on transcript NM_005245.4 (MANE Select); coding-DNA position 8365, A replaced by T.
Protein change: p.Met2789Leu; replaces methionine 2789 with leucine.
Molecular consequence: missense variant.
Genome position (GRCh38, 1-based): chr4:186,618,221, T>A on the plus strand (A>T on the coding strand, the complement: FAT1 is on the minus strand). VCF-style: chr4-186618221-T-A. GRCh37 (hg19) VCF-style: chr4-187539375-T-A.
Other names: short protein forms M2789L.
Identifiers: ClinVar variation 1942095 (VCV001942095.5), dbSNP rs2126492558, ClinGen allele CA358961028.
Genomic context (GRCh38, chr4:186,618,221, plus strand): 5'-AGACCGGGCTGTTGTCATTTGCATCTTTCACTTGGATACTAACATCTACAGAAGCCACCA[T>A]CTCATGGTCATCTTGAGTGCACCTGGCCAGTATGGAAAACTGATACCACTTAGTTGTCTC-3'
Protein context (NP_005236.2, residues 2779-2799): LARCTQDDHE[Met2789Leu]VASVDVSIQV

ClinVar aggregate classification (germline): Uncertain significance (1 of 4 stars; one submission).

Submission:

Labcorp Genetics (formerly Invitae), Labcorp
Classification: Uncertain significance. Last evaluated: 2022-07-29. Review status: criteria provided, single submitter. Criteria: Invitae Variant Classification Sherloc (09022015). Collection method: clinical testing. Allele origin: germline.
Comment: In summary, the available evidence is currently insufficient to determine the role of this variant in disease. Therefore, it has been classified as a Variant of Uncertain Significance. Algorithms developed to predict the effect of missense changes on protein structure and function output the following: SIFT: "Tolerated"; PolyPhen-2: "Benign"; Align-GVGD: "Class C0". The leucine amino acid residue is found in multiple mammalian species, which suggests that this missense change does not adversely affect protein function. This variant has not been reported in the literature in individuals affected with FAT1-related conditions. This variant is not present in population databases (gnomAD no frequency). This sequence change replaces methionine, which is neutral and non-polar, with leucine, which is neutral and non-polar, at codon 2789 of the FAT1 protein (p.Met2789Leu).